The following is an entry in ClinVar:

NM_014423.4(AFF4):c.229A>T (p.Ile77Phe)

Gene: AFF4 (ALF transcription elongation factor 4; minus strand). Cytogenetic location: 5q31.1.
Variant type: single nucleotide variant.
Coding change: c.229A>T on transcript NM_014423.4 (MANE Select); coding-DNA position 229, A replaced by T.
Protein change: p.Ile77Phe; replaces isoleucine 77 with phenylalanine.
Molecular consequence: missense variant.
Genome position (GRCh38, 1-based): chr5:132,934,836, T>A on the plus strand (A>T on the coding strand, the complement: AFF4 is on the minus strand). VCF-style: chr5-132934836-T-A. GRCh37 (hg19) VCF-style: chr5-132270528-T-A.
Other names: short protein forms I77F.
Identifiers: ClinVar variation 2838783 (VCV002838783.3), dbSNP rs372069594, ClinGen allele CA360962387.

ClinVar aggregate classification (germline): Uncertain significance (1 of 4 stars; one submission).

Conditions:
Cognitive impairment - coarse facies - heart defects - obesity - pulmonary involvement - short stature - skeletal dysplasia syndrome. Also called: COGNITIVE IMPAIRMENT, COARSE FACIES, HEART DEFECTS, OBESITY, PULMONARY INVOLVEMENT, SHORT STATURE, AND SKELETAL DYSPLASIA; Chops syndrome; AFF4-Related CHOPS Syndrome. Identifiers: Orphanet 444077, MedGen C4085597, MONDO:0014609, OMIM 616368.

Submission:

Labcorp Genetics (formerly Invitae), Labcorp
Classification: Uncertain significance for Cognitive impairment - coarse facies - heart defects - obesity - pulmonary involvement - short stature - skeletal dysplasia syndrome. Last evaluated: 2023-08-17. Review status: criteria provided, single submitter. Criteria: Invitae Variant Classification Sherloc (09022015). Collection method: clinical testing. Allele origin: germline.
Comment: This sequence change replaces isoleucine, which is neutral and non-polar, with phenylalanine, which is neutral and non-polar, at codon 77 of the AFF4 protein (p.Ile77Phe). This variant is not present in population databases (gnomAD no frequency). This variant has not been reported in the literature in individuals affected with AFF4-related conditions. Advanced modeling of protein sequence and biophysical properties (such as structural, functional, and spatial information, amino acid conservation, physicochemical variation, residue mobility, and thermodynamic stability) performed at Invitae indicates that this missense variant is not expected to disrupt AFF4 protein function. In summary, the available evidence is currently insufficient to determine the role of this variant in disease. Therefore, it has been classified as a Variant of Uncertain Significance.